The following is an entry in ClinVar:

NM_000227.6(LAMA3):c.70C>T (p.Gln24Ter)

Genes: LAMA3 (laminin subunit alpha 3; plus strand), LOC126862707 (MED14-independent group 3 enhancer GRCh37_chr18:21452354-21453553; plus strand). Cytogenetic location: 18q11.2.
Variant type: single nucleotide variant.
Coding change: c.70C>T on transcript NM_000227.6 (MANE Plus Clinical); coding-DNA position 70, C replaced by T.
Protein change: p.Gln24Ter; replaces glutamine 24 with a stop codon.
Molecular consequence: nonsense. On other transcripts: intron variant (2).
Genome position (GRCh38, 1-based): chr18:23,873,114, C>T. VCF-style: chr18-23873114-C-T. GRCh37 (hg19) VCF-style: chr18-21453078-C-T.
Other names: c.70C>T, p.Gln24Ter (NM_001127718.4); c.4998+1453C>T (NM_198129.4, NM_001127717.4); short protein forms Q24*.
Identifiers: ClinVar variation 2871374 (VCV002871374.3), dbSNP rs2511225088, ClinGen allele CA402044611.

ClinVar aggregate classification (germline): Pathogenic (1 of 4 stars; one submission).

Submission:

Labcorp Genetics (formerly Invitae), Labcorp
Classification: Pathogenic. Last evaluated: 2023-10-10. Review status: criteria provided, single submitter. Criteria: Invitae Variant Classification Sherloc (09022015). Collection method: clinical testing. Allele origin: germline.
Comment: This sequence change creates a premature translational stop signal (p.Gln24*) in the LAMA3 gene. It is expected to result in an absent or disrupted protein product. Loss-of-function variants in LAMA3 are known to be pathogenic (PMID: 10366601, 11810295, 12915477, 16473856, 17362460, 22434185, 23869449, 27827380, 28087116). This variant is not present in population databases (gnomAD no frequency). This variant has not been reported in the literature in individuals affected with LAMA3-related conditions. For these reasons, this variant has been classified as Pathogenic.

Literature cited by the submitters: PubMed 10366601; PubMed 11810295; PubMed 12915477; PubMed 16473856; PubMed 17362460; PubMed 22434185; PubMed 23869449; PubMed 27827380; PubMed 28087116.